The following is an entry in ClinVar:

NM_003482.4(KMT2D):c.322G>T (p.Ala108Ser)

Gene: KMT2D (lysine methyltransferase 2D; minus strand). Cytogenetic location: 12q13.12.
Variant type: single nucleotide variant.
Coding change: c.322G>T on transcript NM_003482.4 (MANE Select); coding-DNA position 322, G replaced by T.
Protein change: p.Ala108Ser; replaces alanine 108 with serine.
Molecular consequence: missense variant.
Genome position (GRCh38, 1-based): chr12:49,054,606, C>A on the plus strand (G>T on the coding strand, the complement: KMT2D is on the minus strand). VCF-style: chr12-49054606-C-A. GRCh37 (hg19) VCF-style: chr12-49448389-C-A.
Other names: short protein forms A108S.
Identifiers: ClinVar variation 4882754 (VCV004882754.2).

ClinVar aggregate classification (germline): Uncertain significance (1 of 4 stars; one submission).

Conditions:
Kabuki syndrome 1 (KABUK1). Also called: KMT2D-Related Kabuki Syndrome. Identifiers: Orphanet 2322, MedGen CN030661, MONDO:0007843, OMIM 147920.

Submission:

Dasa
Classification: Uncertain significance for Kabuki syndrome 1. Last evaluated: 2025-09-16. Review status: criteria provided, single submitter. Criteria: DASA Assertion Criteria. Collection method: clinical testing. Allele origin: germline.
Comment: NM_003482.4(KMT2D):c.322G>T (p.Ala108Ser) is a missense variant that results in the substitution of alanine with serine. This variant is absent from population databases. The currently available literature and clinical evidence are not sufficient to establish a definitive association between this variant and the reported condition. Therefore, this variant is classified as a variant of uncertain significance.